The following is an entry in ClinVar:

NM_000245.4(MET):c.3376A>G (p.Thr1126Ala)

Gene: MET (MET proto-oncogene, receptor tyrosine kinase; plus strand). Cytogenetic location: 7q31.2.
Variant type: single nucleotide variant.
Coding change: c.3376A>G on transcript NM_000245.4 (MANE Select); coding-DNA position 3376, A replaced by G.
Protein change: p.Thr1126Ala; replaces threonine 1126 with alanine.
Molecular consequence: missense variant.
Genome position (GRCh38, 1-based): chr7:116,778,811, A>G. VCF-style: chr7-116778811-A-G. GRCh37 (hg19) VCF-style: chr7-116418865-A-G.
Other names: c.3430A>G, p.Thr1144Ala (NM_001127500.3); c.2086A>G, p.Thr696Ala (NM_001324402.2); short protein forms T1126A, T1144A, T696A.
Identifiers: ClinVar variation 2587466 (VCV002587466.2), dbSNP rs2117045466, ClinGen allele CA368990017.
Genomic context (GRCh38, chr7:116,778,811, plus strand): 5'-ATGTCTCCACCACTGGATTTCTCAGGAATCACTGACATAGGAGAAGTTTCCCAATTTCTG[A>G]CCGAGGGAATCATCATGAAAGATTTTAGTCATCCCAATGTCCTCTCGCTCCTGGGAATCT-3'
Protein context (NP_000236.2, residues 1116-1136): TDIGEVSQFL[Thr1126Ala]EGIIMKDFSH

ClinVar aggregate classification (germline): Uncertain significance (1 of 4 stars; one submission).

Conditions:
Hereditary cancer-predisposing syndrome. Also called: Tumor predisposition; Hereditary Cancer Syndrome; Hereditary neoplastic syndrome; Neoplastic Syndromes, Hereditary. Identifiers: Orphanet 140162, MedGen C0027672, MeSH D009386, MONDO:0015356.

Submission:

Ambry Genetics
Classification: Uncertain significance for Hereditary cancer-predisposing syndrome. Last evaluated: 2023-06-29. Review status: criteria provided, single submitter. Criteria: Ambry Variant Classification Scheme 2023. Collection method: clinical testing. Allele origin: germline.
Comment: The p.T1144A variant (also known as c.3430A>G), located in coding exon 16 of the MET gene, results from an A to G substitution at nucleotide position 3430. The threonine at codon 1144 is replaced by alanine, an amino acid with similar properties. This amino acid position is conserved. In addition, this alteration is predicted to be tolerated by in silico analysis. Since supporting evidence is limited at this time, the clinical significance of this alteration remains unclear.